The following is an entry in ClinVar:

ClinVar aggregate classification (germline): Likely benign. Review status: criteria provided, multiple submitters, no conflicts (2 of 4 stars). 2 submissions from 2 submitters: Likely benign (2). Last evaluated 2025-06-15.

Conditions:
3-methylglutaconic aciduria, type VIIB (MGCA7B). Also called: 3-methylglutaconic aciduria, type VII, with cataracts, neurologic involvement and neutropenia; CLPB Deficiency; 3-methylglutaconic aciduria with cataracts, neurologic involvement and neutropenia. Identifiers: Orphanet 445038, MedGen C5676893, MONDO:0014561, OMIM 616271.

Allele frequency attached by ClinVar (database versions not stated): TOPMed 0.00002; ExAC 0.00003; gnomAD 0.00003; gnomAD exomes 0.00003 and 0.00015.
gnomAD v4.1: 210 of 1,609,844 alleles (0.013%); highest among the groups gnomAD compares: Non-Finnish European, 0.018%; 1 homozygote.

Submissions (2):

Labcorp Genetics (formerly Invitae), Labcorp
Classification: Likely benign for 3-methylglutaconic aciduria, type VIIB. Last evaluated: 2025-06-15. Review status: criteria provided, single submitter. Criteria: Invitae Variant Classification Sherloc (09022015). Collection method: clinical testing. Allele origin: germline.

GeneDx
Classification: Likely benign. Last evaluated: 2017-07-20. Review status: criteria provided, single submitter. Criteria: GeneDx Variant Classification (06012015). Collection method: clinical testing. Allele origin: germline. Affected: yes.
Comment: This variant is considered likely benign or benign based on one or more of the following criteria: it is a conservative change, it occurs at a poorly conserved position in the protein, it is predicted to be benign by multiple in silico algorithms, and/or has population frequency not consistent with disease.

NM_001258392.3(CLPB):c.543-12G>C

Gene: CLPB (ClpB family mitochondrial disaggregase; minus strand). Cytogenetic location: 11q13.4.
Variant type: single nucleotide variant.
Coding change: c.543-12G>C on transcript NM_001258392.3 (MANE Select); 12 bases into the intron before coding-DNA position 543, G replaced by C.
Molecular consequence: intron variant.
Genome position (GRCh38, 1-based): chr11:72,380,396, C>G on the plus strand (G>C on the coding strand, the complement: CLPB is on the minus strand). VCF-style: chr11-72380396-C-G. GRCh37 (hg19) VCF-style: chr11-72091440-C-G.
Other names: c.456-12G>C (NM_001258393.3); c.543-12G>C (NM_030813.6); c.408-12G>C (NM_001258394.3).
Identifiers: ClinVar variation 510733 (VCV000510733.6), dbSNP rs750871760, ClinGen allele CA6171520.